The following is an entry in ClinVar:

NM_003482.4(KMT2D):c.16022C>G (p.Ser5341Ter)

Gene: KMT2D (lysine methyltransferase 2D; minus strand). Cytogenetic location: 12q13.12.
Variant type: single nucleotide variant.
Coding change: c.16022C>G on transcript NM_003482.4 (MANE Select); coding-DNA position 16022, C replaced by G.
Protein change: p.Ser5341Ter; replaces serine 5341 with a stop codon.
Molecular consequence: nonsense.
Genome position (GRCh38, 1-based): chr12:49,024,608, G>C on the plus strand (C>G on the coding strand, the complement: KMT2D is on the minus strand). VCF-style: chr12-49024608-G-C. GRCh37 (hg19) VCF-style: chr12-49418391-G-C.
Other names: short protein forms S5341*.
Identifiers: ClinVar variation 3116047 (VCV003116047.1), dbSNP rs1337235778, ClinGen allele CA384681274.

ClinVar aggregate classification (germline): Pathogenic (1 of 4 stars; one submission).

Conditions:
Inborn genetic diseases. Identifiers: MedGen C0950123, MeSH D030342.

Submission:

Ambry Genetics
Classification: Pathogenic for Inborn genetic diseases. Last evaluated: 2024-02-13. Review status: criteria provided, single submitter. Criteria: Ambry Variant Classification Scheme 2023. Collection method: clinical testing. Allele origin: germline.
Comment: The c.16022C>G (p.S5341*) alteration, located in exon 50 (coding exon 50) of the KMT2D gene, consists of a C to G substitution at nucleotide position 16022. This changes the amino acid from a serine (S) to a stop codon at amino acid position 5341. This alteration is expected to result in loss of function by premature protein truncation or nonsense-mediated mRNA decay. The KMT2D c.16022C>G alteration was flagged as a low confidence call in the Genome Aggregation Database (gnomAD). Based on the available evidence, this alteration is classified as pathogenic.